The following is an entry in ClinVar:

ClinVar aggregate classification (germline): Benign/Likely benign. Review status: criteria provided, multiple submitters, no conflicts (2 of 4 stars). 4 submissions from 4 submitters: Benign (1); Likely benign (2). 1 of the submissions does not count toward it. Last evaluated 2026-01-26.

Conditions:
Pheochromocytoma/paraganglioma syndrome 5. Also called: Paragangliomas 5; SDHA-Related Hereditary Paraganglioma-Pheochromocytoma Syndrome. Identifiers: Orphanet 29072, MedGen C3279992, MONDO:0013602, OMIM 614165.
SDHA-related disorder. Also called: SDHA-related disorders; SDHA-related condition.
Mitochondrial complex II deficiency, nuclear type 1. Also called: SUCCINATE CoQ REDUCTASE DEFICIENCY. Identifiers: Orphanet 3208, MedGen C5700310, MONDO:0100294, OMIM 252011.

Submissions (4):

Labcorp Genetics (formerly Invitae), Labcorp
Classification: Benign for Pheochromocytoma/paraganglioma syndrome 5; Mitochondrial complex II deficiency, nuclear type 1. Last evaluated: 2026-01-26. Review status: criteria provided, single submitter. Criteria: Invitae Variant Classification Sherloc (09022015). Collection method: clinical testing. Allele origin: germline.

Myriad Genetics, Inc.
Classification: Likely benign for Pheochromocytoma/paraganglioma syndrome 5. Last evaluated: 2025-03-10. Review status: criteria provided, single submitter. Criteria: Myriad Autosomal Dominant, Autosomal Recessive and X-Linked Classification Criteria (2023). Collection method: clinical testing. Allele origin: unknown.
Comment: This variant is considered likely benign. This variant is intronic and is not expected to impact mRNA splicing.

Blueprint Genetics
Classification: Likely benign. Last evaluated: 2024-07-16. Review status: criteria provided, single submitter. Criteria: ACMG Guidelines, 2015. Collection method: clinical testing. Allele origin: germline.

PreventionGenetics, part of Exact Sciences
Classification: Likely benign for SDHA-related condition. Last evaluated: 2019-09-04. Review status: no assertion criteria provided. Collection method: clinical testing. Allele origin: germline. Not counted in ClinVar's aggregate classification.
Comment: This variant is classified as likely benign based on ACMG/AMP sequence variant interpretation guidelines (Richards et al. 2015 PMID: 25741868, with internal and published modifications).

NM_004168.4(SDHA):c.1433-8dup

Gene: SDHA (succinate dehydrogenase complex flavoprotein subunit A; plus strand). Cytogenetic location: 5p15.33.
Variant type: Duplication.
Coding change: c.1433-8dup on transcript NM_004168.4 (MANE Select); 8 bases into the intron before coding-DNA position 1433, one base duplicated (T; older notation c.1433-8dupT).
Molecular consequence: intron variant.
Genome position (GRCh38, 1-based): chr5:240,350, T duplicated; the last of 8 consecutive T bases (chr5:240,343-240,350); duplicating any one gives the same sequence. VCF-style (leftmost placement, unchanged base first): chr5-240342-C-CT. GRCh37 (hg19) VCF-style: chr5-240457-C-CT.
Other names: c.1433-8dup (NM_001330758.2); c.1289-8dup (NM_001294332.2); c.1433-8dupT (NM_004168.3).
Identifiers: ClinVar variation 1601678 (VCV001601678.12), dbSNP rs769594966, ClinGen allele CA3173253.